The following is an entry in ClinVar:

NM_198123.2(CSMD3):c.7165+5G>A

Gene: CSMD3 (CUB and Sushi multiple domains 3; minus strand). Cytogenetic location: 8q23.3.
Variant type: single nucleotide variant.
Coding change: c.7165+5G>A on transcript NM_198123.2 (MANE Select); 5 bases into the intron after coding-DNA position 7165, G replaced by A.
Molecular consequence: intron variant.
Genome position (GRCh38, 1-based): chr8:112,335,324, C>T on the plus strand (G>A on the coding strand, the complement: CSMD3 is on the minus strand). VCF-style: chr8-112335324-C-T. GRCh37 (hg19) VCF-style: chr8-113347553-C-T.
Other names: c.6565+5G>A (NM_001363185.1); c.6853+5G>A (NM_052900.3); c.7045+5G>A (NM_198124.2).
Identifiers: ClinVar variation 3041013 (VCV003041013.2), dbSNP rs2130946512, ClinGen allele CA2579231813.

ClinVar aggregate classification (germline): Uncertain significance (0 of 4 stars; one submission).

Conditions:
CSMD3-related disorder. Also called: CSMD3-related condition.

Submission:

PreventionGenetics, part of Exact Sciences
Classification: Uncertain significance for CSMD3-related condition. Last evaluated: 2023-12-08. Review status: no assertion criteria provided. Collection method: clinical testing. Allele origin: germline.
Comment: The CSMD3 c.7165+5G>A variant is predicted to interfere with splicing. To our knowledge, this variant has not been reported in the literature or in a large population database, indicating this variant is rare. This variant is predicted to alter splicing based on available splicing prediction software (SpliceAI, Jaganathan et al. 2019. PubMed ID: 30661751). However, the use of computer prediction softwares is not equivalent to functional evidence. At this time, the clinical significance of this variant is uncertain due to the absence of conclusive functional and genetic evidence.